The following is an entry in ClinVar:

NM_015443.4(KANSL1):c.1289+3_1289+5del

Gene: KANSL1 (KAT8 regulatory NSL complex subunit 1). Cytogenetic location: 17q21.31.
Variant type: Deletion.
Coding change: c.1289+3_1289+5del on transcript NM_015443.4 (MANE Select); bases 3 to 5 of the intron after coding-DNA position 1289, this stretch deleted.
Molecular consequence: intron variant.
Genome position: GRCh38 VCF-style: chr17-46170849-ACTC-A. GRCh37 (hg19) VCF-style: chr17-44248215-ACTC-A.
Other names: c.1289+3_1289+5del (NM_001193465.2, NM_001379198.1, NM_001193466.2).
Identifiers: ClinVar variation 647791 (VCV000647791.8), dbSNP rs1597870189, ClinGen allele CA915950161.

ClinVar aggregate classification (germline): Uncertain significance (1 of 4 stars; one submission).

Conditions:
Koolen-de Vries syndrome (KDVS). Identifiers: Orphanet 96169, MedGen C1864871, MONDO:0012496, OMIM 610443.

Submission:

Labcorp Genetics (formerly Invitae), Labcorp
Classification: Uncertain significance for Koolen-de Vries syndrome. Last evaluated: 2018-09-13. Review status: criteria provided, single submitter. Criteria: Invitae Variant Classification Sherloc (09022015). Collection method: clinical testing. Allele origin: germline.
Comment: In summary, the available evidence is currently insufficient to determine the role of this variant in disease. Therefore, it has been classified as a Variant of Uncertain Significance. Nucleotide substitutions within the consensus splice site are a relatively common cause of aberrant splicing (PMID: 17576681, 9536098). Algorithms developed to predict the effect of sequence changes on RNA splicing suggest that this variant may disrupt the consensus splice site, but this prediction has not been confirmed by published transcriptional studies. This variant has not been reported in the literature in individuals with KANSL1-related disease. This variant is not present in population databases (ExAC no frequency). This sequence change falls in intron 2 of the KANSL1 gene. It does not directly change the encoded amino acid sequence of the KANSL1 protein, but it affects a nucleotide within the consensus splice site of the intron.

Literature cited by the submitters: PubMed 17576681; PubMed 9536098.